The following is an entry in ClinVar:

ClinVar aggregate classification (germline): Pathogenic. Review status: criteria provided, single submitter (1 of 4 stars). 2 submissions from 2 submitters: Pathogenic (1). 1 of the submissions does not count toward it. Last evaluated 2025-05-15.

Conditions:
Basilicata-Akhtar syndrome. Also called: MENTAL RETARDATION, X-LINKED, SYNDROMIC, BASILICATA-AKHTAR TYPE; INTELLECTUAL DEVELOPMENTAL DISORDER, X-LINKED, SYNDROMIC, 36. Identifiers: MedGen C5231394, MONDO:0026730, OMIM 301032.

Submissions (2):

GeneDx
Classification: Pathogenic. Last evaluated: 2025-05-15. Review status: criteria provided, single submitter. Criteria: GeneDx Variant Classification Process June 2021. Collection method: clinical testing. Allele origin: germline. Affected: yes.
Comment: Nonsense variant predicted to result in protein truncation or nonsense mediated decay in a gene for which loss of function is a known mechanism of disease; Not observed at significant frequency in large population cohorts (gnomAD); This variant is associated with the following publications: (PMID: 33173220)

OMIM
Classification: Pathogenic for BASILICATA-AKHTAR SYNDROME. Last evaluated: 2022-08-07. Review status: no assertion criteria provided. Collection method: literature only. Allele origin: germline. Not counted in ClinVar's aggregate classification.

Literature cited by the submitters: PubMed 33173220 (cited by OMIM).

NM_078629.4(MSL3):c.590_593del

Gene: MSL3 (MSL complex subunit 3; plus strand). Cytogenetic location: Xp22.2.
Variant type: Deletion.
Coding change: c.590_593del on transcript NM_078629.4 (MANE Select); coding-DNA positions 590 to 593, 4 bases deleted (TAGT; older notation c.590_593delTAGT).
Molecular consequence: splice acceptor variant.
Genome position (GRCh38, 1-based): chrX:11,762,838-11,762,841, TAGT deleted; deleting any 4 consecutive bases within chrX:11,762,835-11,762,841 gives the same sequence; the c. name uses the placement nearest the transcript's 3' end. VCF-style (leftmost placement, unchanged base first): chrX-11762834-CAGTT-C. GRCh37 (hg19) VCF-style: chrX-11780953-CAGTT-C.
Other names: L197*; c.143_146del (NM_001282174.1).
Identifiers: ClinVar variation 1700027 (VCV001700027.2), dbSNP rs2147244798, ClinGen allele CA2573105883.